The following is an entry in ClinVar:

ClinVar aggregate classification (germline): Likely benign. Review status: criteria provided, multiple submitters, no conflicts (2 of 4 stars). 3 submissions from 3 submitters: Likely benign (3). Last evaluated 2025-03-17.

Conditions:
Inborn genetic diseases. Identifiers: MedGen C0950123, MeSH D030342.
Charcot-Marie-Tooth disease type 4. Also called: Charcot-Marie-Tooth disease, type IV; Charcot-Marie-Tooth, Type 4. Identifiers: Orphanet 64749, MedGen C4082197, MONDO:0018995.

Allele frequency attached by ClinVar (database versions not stated): gnomAD exomes 0.00001 and 0.00002; ExAC 0.00002; gnomAD 0.00002; TOPMed 0.00003.
gnomAD v4.1: 11 of 1,604,372 alleles (0.00069%); highest among the groups gnomAD compares: Admixed American, 0.0084%; no homozygotes.

Submissions (3):

Labcorp Genetics (formerly Invitae), Labcorp
Classification: Likely benign for Charcot-Marie-Tooth disease type 4. Last evaluated: 2025-03-17. Review status: criteria provided, single submitter. Criteria: Invitae Variant Classification Sherloc (09022015). Collection method: clinical testing. Allele origin: germline.

Ambry Genetics
Classification: Likely benign for Inborn genetic diseases. Last evaluated: 2019-07-11. Review status: criteria provided, single submitter. Criteria: Ambry Variant Classification Scheme 2023. Collection method: clinical testing. Allele origin: germline.

GeneDx
Classification: Likely benign. Last evaluated: 2017-12-04. Review status: criteria provided, single submitter. Criteria: GeneDx Variant Classification (06012015). Collection method: clinical testing. Allele origin: germline. Affected: yes.
Comment: This variant is considered likely benign or benign based on one or more of the following criteria: it is a conservative change, it occurs at a poorly conserved position in the protein, it is predicted to be benign by multiple in silico algorithms, and/or has population frequency not consistent with disease.

NM_181882.3(PRX):c.108C>A (p.Gly36=)

Genes: PRX (periaxin; minus strand), LOC130064454 (ATAC-STARR-seq lymphoblastoid active region 14650; plus strand). Cytogenetic location: 19q13.2.
Variant type: single nucleotide variant.
Coding change: c.108C>A on transcript NM_181882.3 (MANE Select); coding-DNA position 108, C replaced by A.
Protein change: p.Gly36=; no amino-acid change (glycine 36 retained).
Molecular consequence: synonymous variant.
Genome position (GRCh38, 1-based): chr19:40,403,782, G>T on the plus strand (C>A on the coding strand, the complement: PRX is on the minus strand). VCF-style: chr19-40403782-G-T. GRCh37 (hg19) VCF-style: chr19-40909689-G-T.
Other names: c.108C>A, p.Gly36= (NM_020956.2).
Identifiers: ClinVar variation 513758 (VCV000513758.12), dbSNP rs771407657, ClinGen allele CA9444583.